The following is an entry in ClinVar:

ClinVar aggregate classification (germline): Likely benign. Review status: criteria provided, multiple submitters, no conflicts (2 of 4 stars). 3 submissions from 3 submitters: Likely benign (3). Last evaluated 2026-02-13.

Conditions:
DNM2-related disorder. Also called: DNM2-related condition.
Charcot-Marie-Tooth disease dominant intermediate B (CMTDIB). Also called: Charcot-Marie-Tooth disease dominant intermediate 1; CMT DI1; Charcot-Marie-Tooth disease dominant intermediate I; CHARCOT-MARIE-TOOTH NEUROPATHY, DOMINANT INTERMEDIATE B. Identifiers: Orphanet 100044, Orphanet 228179, MedGen C1847902, MONDO:0011674, OMIM 606482.

Allele frequency attached by ClinVar (database versions not stated): TOPMed 0.00004; gnomAD 0.00005 and 0.00006.
gnomAD v4.1: 102 of 1,613,472 alleles (0.0063%); highest among the groups gnomAD compares: Admixed American, 0.013%; no homozygotes.

Submissions (3):

PreventionGenetics, part of Exact Sciences
Classification: Likely benign for DNM2-related condition. Last evaluated: 2026-02-13. Review status: criteria provided, single submitter. Criteria: ACMG Guidelines, 2015. Collection method: clinical testing. Allele origin: germline.
Comment: This variant is classified as likely benign based on ACMG/AMP sequence variant interpretation guidelines (Richards et al. 2015 PMID: 25741868, with internal and published modifications).

Labcorp Genetics (formerly Invitae), Labcorp
Classification: Likely benign for Charcot-Marie-Tooth disease dominant intermediate B. Last evaluated: 2025-06-04. Review status: criteria provided, single submitter. Criteria: Invitae Variant Classification Sherloc (09022015). Collection method: clinical testing. Allele origin: germline.

CeGaT Center for Human Genetics Tuebingen
Classification: Likely benign. Last evaluated: 2022-03-01. Review status: criteria provided, single submitter. Criteria: CeGaT Center For Human Genetics Tuebingen Variant Classification Criteria Version 2. Collection method: clinical testing. Allele origin: germline. Affected: yes. Observed: 1 variant allele.
Comment: DNM2: BP4

NM_001005361.3(DNM2):c.1196+628G>C

Gene: DNM2 (dynamin 2; plus strand). Cytogenetic location: 19p13.2.
Variant type: single nucleotide variant.
Coding change: c.1196+628G>C on transcript NM_001005361.3 (MANE Select); 628 bases into the intron after coding-DNA position 1196, G replaced by C.
Molecular consequence: intron variant. On other transcripts: synonymous variant (3).
Genome position (GRCh38, 1-based): chr19:10,796,067, G>C. VCF-style: chr19-10796067-G-C. GRCh37 (hg19) VCF-style: chr19-10906743-G-C.
Other names: c.1203G>C, p.Gly401= (NM_001005360.3, NM_001190716.2, NM_004945.4); c.1196+628G>C (NM_001005362.3).
Identifiers: ClinVar variation 702527 (VCV000702527.35), dbSNP rs374376619, ClinGen allele CA9201030.